The following is an entry in ClinVar:

NM_001276345.2(TNNT2):c.67+321G>C

Gene: TNNT2 (troponin T2, cardiac type; minus strand). Cytogenetic location: 1q32.1.
Variant type: single nucleotide variant.
Coding change: c.67+321G>C on transcript NM_001276345.2 (MANE Select); 321 bases into the intron after coding-DNA position 67, G replaced by C.
Molecular consequence: intron variant.
Genome position (GRCh38, 1-based): chr1:201,371,706, C>G on the plus strand (G>C on the coding strand, the complement: TNNT2 is on the minus strand). VCF-style: chr1-201371706-C-G. GRCh37 (hg19) VCF-style: chr1-201340834-C-G.
Other names: c.52+439G>C (NM_001001432.3); c.67+321G>C (NM_001001431.3, NM_001001430.3, NM_001276346.2 and 2 more transcripts).
Identifiers: ClinVar variation 669603 (VCV000669603.1), dbSNP rs114576011, ClinGen allele CA35431226.

ClinVar aggregate classification (germline): Likely benign (1 of 4 stars; one submission).

Allele frequency attached by ClinVar (database versions not stated): 1000 Genomes Project 30x 0.00953; gnomAD 0.01010 and 0.01103; 1000 Genomes Project 0.01058; TOPMed 0.01133.

Submission:

GeneDx
Classification: Likely benign. Last evaluated: 2018-06-14. Review status: criteria provided, single submitter. Criteria: GeneDx Variant Classification (06012015). Collection method: clinical testing. Allele origin: germline. Affected: yes.
Comment: This variant is considered likely benign or benign based on one or more of the following criteria: it is a conservative change, it occurs at a poorly conserved position in the protein, it is predicted to be benign by multiple in silico algorithms, and/or has population frequency not consistent with disease.